The following is an entry in ClinVar:

NM_001005361.3(DNM2):c.2158G>A (p.Asp720Asn)

Gene: DNM2 (dynamin 2; plus strand). Cytogenetic location: 19p13.2.
Variant type: single nucleotide variant.
Coding change: c.2158G>A on transcript NM_001005361.3 (MANE Select); coding-DNA position 2158, G replaced by A.
Protein change: p.Asp720Asn; replaces aspartic acid 720 with asparagine.
Molecular consequence: missense variant.
Genome position (GRCh38, 1-based): chr19:10,829,135, G>A. VCF-style: chr19-10829135-G-A. GRCh37 (hg19) VCF-style: chr19-10939811-G-A.
Other names: c.2158G>A, p.Asp720Asn (NM_001005360.3, NM_001190716.2); c.2146G>A, p.Asp716Asn (NM_001005362.3, NM_004945.4); short protein forms D716N, D720N.
Identifiers: ClinVar variation 1483552 (VCV001483552.8), dbSNP rs1253996634, ClinGen allele CA404042855.

ClinVar aggregate classification (germline): Uncertain significance (1 of 4 stars; one submission).

Conditions:
Charcot-Marie-Tooth disease dominant intermediate B (CMTDIB). Also called: CHARCOT-MARIE-TOOTH NEUROPATHY, DOMINANT INTERMEDIATE B; Charcot-Marie-Tooth disease dominant intermediate 1; CMT DI1; Charcot-Marie-Tooth disease dominant intermediate I. Identifiers: Orphanet 100044, Orphanet 228179, MedGen C1847902, MONDO:0011674, OMIM 606482.

Allele frequency attached by ClinVar (database versions not stated): gnomAD exomes below 0.00001; gnomAD 0.00001; TOPMed 0.00001.
gnomAD v4.1: 4 of 1,613,804 alleles (0.00025%); highest among the groups gnomAD compares: African/African-American, 0.0013%; no homozygotes.

Submission:

Labcorp Genetics (formerly Invitae), Labcorp
Classification: Uncertain significance for Charcot-Marie-Tooth disease dominant intermediate B. Last evaluated: 2022-05-27. Review status: criteria provided, single submitter. Criteria: Invitae Variant Classification Sherloc (09022015). Collection method: clinical testing. Allele origin: germline.
Comment: This sequence change replaces aspartic acid, which is acidic and polar, with asparagine, which is neutral and polar, at codon 720 of the DNM2 protein (p.Asp720Asn). This variant is not present in population databases (gnomAD no frequency). This variant has not been reported in the literature in individuals affected with DNM2-related conditions. Algorithms developed to predict the effect of missense changes on protein structure and function are either unavailable or do not agree on the potential impact of this missense change (SIFT: "Deleterious"; PolyPhen-2: "Possibly Damaging"; Align-GVGD: "Class C0"). In summary, the available evidence is currently insufficient to determine the role of this variant in disease. Therefore, it has been classified as a Variant of Uncertain Significance.